The following is an entry in ClinVar:

NM_130839.5(UBE3A):c.1742A>G (p.Asn581Ser)

Genes: SNHG14 (small nucleolar RNA host gene 14; plus strand), UBE3A (ubiquitin protein ligase E3A; minus strand). Cytogenetic location: 15q11.2.
Variant type: single nucleotide variant.
Coding change: c.1742A>G on transcript NM_130839.5 (MANE Select); coding-DNA position 1742, A replaced by G.
Protein change: p.Asn581Ser; replaces asparagine 581 with serine.
Molecular consequence: missense variant. On other transcripts: non-coding transcript variant (1).
Genome position (GRCh38, 1-based): chr15:25,360,394, T>C on the plus strand (A>G on the coding strand, the complement: UBE3A is on the minus strand). VCF-style: chr15-25360394-T-C. GRCh37 (hg19) VCF-style: chr15-25605541-T-C.
Other names: NM_130839.5(UBE3A):c.1742A>G; p.Asn581Ser; c.1751A>G, p.Asn584Ser (NM_000462.5); c.1742A>G, p.Asn581Ser (NM_001354505.1, NM_001354538.2, NM_001354545.2); c.1682A>G, p.Asn561Ser (NM_001354506.2, NM_001354507.2, NM_001354508.2 and 17 more transcripts); c.1565A>G, p.Asn522Ser (NM_001354546.2); c.491A>G, p.Asn164Ser (NM_001354550.2); c.431A>G, p.Asn144Ser (NM_001354551.2); and 1 more; short protein forms N561S, N144S, N164S, N522S, N581S, N584S.
Identifiers: ClinVar variation 160208 (VCV000160208.8), dbSNP rs587784517, ClinGen allele CA333531.

ClinVar aggregate classification (germline): Uncertain significance. Review status: reviewed by expert panel (3 of 4 stars). 3 submissions from 3 submitters: Uncertain significance (1). 2 of the submissions do not count toward it. Last evaluated 2026-04-23.

Conditions:
Angelman syndrome (AS). Also called: HAPPY PUPPET SYNDROME. Identifiers: Orphanet 72, MedGen C0162635, MONDO:0007113, OMIM 105830. Disease mechanism: loss of function. Inheritance: AS is caused by disruption of maternally imprinted UBE3A located within the 15q11.2-q13 Angelman syndrome/Prader-Willi syndrome (AS/PWS) region., imprinting disorder.

Submissions (3):

ClinGen Rett and Angelman-like Disorders Variant Curation Expert Panel
Classification: Uncertain significance for Angelman syndrome. Last evaluated: 2026-04-23. Review status: reviewed by expert panel. Criteria: ClinGen RettAS ACMG Specifications UBE3A V6.0.0. Collection method: curation. Allele origin: germline. Inheritance: Autosomal dominant inheritance.
Comment: The p.Asn581Ser variant in UBE3A is absent from gnomAD v4.1.1 (PM2_Supporting). Computational prediction analysis tools suggests a deleterious impact; however, this information does not predict clinical significance on its own (PP3). In summary, the p.Asn581Ser variant in UBE3A is classified as a variant of uncertain significance based on the ACMG/AMP criteria (PM2_supporting, PP3). (UBE3A Specifications v6.0; curation approved on 4/23/2026)

MVZ Martinsried, Medicover Genetics
Classification: Likely pathogenic for Angelman syndrome. Last evaluated: 2022-11-29. Review status: criteria provided, single submitter. Criteria: ACGS Guidelines, 2020. Collection method: clinical testing. Allele origin: inherited. Affected: yes. Not counted in ClinVar's aggregate classification.

Genetic Services Laboratory, University of Chicago
Classification: Uncertain significance for Angelman syndrome. Last evaluated: 2013-08-23. Review status: criteria provided, single submitter. Criteria: ACMG Guidelines, 2007. Collection method: clinical testing. Allele origin: germline. Inheritance: Autosomal dominant inheritance. Not counted in ClinVar's aggregate classification.